The following is an entry in ClinVar:

ClinVar aggregate classification (germline): Uncertain significance (1 of 4 stars; one submission).

Allele frequency attached by ClinVar (database versions not stated): gnomAD 0.00001; gnomAD exomes 0.00002; TOPMed 0.00002; 1000 Genomes Project 30x 0.00016; 1000 Genomes Project 0.00020.
gnomAD v4.1: 35 of 1,614,202 alleles (0.0022%); highest among the groups gnomAD compares: South Asian, 0.027%; 3 homozygotes.

Submission:

Labcorp Genetics (formerly Invitae), Labcorp
Classification: Uncertain significance. Last evaluated: 2024-10-15. Review status: criteria provided, single submitter. Criteria: Invitae Variant Classification Sherloc (09022015). Collection method: clinical testing. Allele origin: germline.
Comment: This sequence change replaces threonine, which is neutral and polar, with asparagine, which is neutral and polar, at codon 563 of the CEP97 protein (p.Thr563Asn). This variant is present in population databases (rs546924387, gnomAD 0.04%). This variant has not been reported in the literature in individuals affected with CEP97-related conditions. ClinVar contains an entry for this variant (Variation ID: 1918107). Invitae Evidence Modeling of protein sequence and biophysical properties (such as structural, functional, and spatial information, amino acid conservation, physicochemical variation, residue mobility, and thermodynamic stability) indicates that this missense variant is expected to disrupt CEP97 protein function with a positive predictive value of 80%. In summary, the available evidence is currently insufficient to determine the role of this variant in disease. Therefore, it has been classified as a Variant of Uncertain Significance.

NM_024548.4(CEP97):c.1688C>A (p.Thr563Asn)

Gene: CEP97 (centrosomal protein 97; plus strand). Cytogenetic location: 3q12.3.
Variant type: single nucleotide variant.
Coding change: c.1688C>A on transcript NM_024548.4 (MANE Select); coding-DNA position 1688, C replaced by A.
Protein change: p.Thr563Asn; replaces threonine 563 with asparagine.
Molecular consequence: missense variant.
Genome position (GRCh38, 1-based): chr3:101,758,294, C>A. VCF-style: chr3-101758294-C-A. GRCh37 (hg19) VCF-style: chr3-101477138-C-A.
Other names: c.1511C>A, p.Thr504Asn (NM_001303401.2); c.1586C>A, p.Thr529Asn (NM_001410784.1); c.1409C>A, p.Thr470Asn (NM_001410785.1); short protein forms T529N, T504N, T470N, T563N.
Identifiers: ClinVar variation 1918107 (VCV001918107.5), dbSNP rs546924387, ClinGen allele CA2522163.